The following is an entry in ClinVar:

NM_001287491.2(TET3):c.1456A>G (p.Thr486Ala)

Gene: TET3 (tet methylcytosine dioxygenase 3; plus strand). Cytogenetic location: 2p13.1.
Variant type: single nucleotide variant.
Coding change: c.1456A>G on transcript NM_001287491.2 (MANE Select); coding-DNA position 1456, A replaced by G.
Protein change: p.Thr486Ala; replaces threonine 486 with alanine.
Molecular consequence: missense variant.
Genome position (GRCh38, 1-based): chr2:74,047,373, A>G. VCF-style: chr2-74047373-A-G. GRCh37 (hg19) VCF-style: chr2-74274500-A-G.
Other names: c.1177A>G, p.Thr393Ala (NM_001366022.1); c.1051A>G, p.Thr351Ala (NM_144993.1); short protein forms T351A, T393A, T486A.
Identifiers: ClinVar variation 3051216 (VCV003051216.2), dbSNP rs200989975, ClinGen allele CA1718609.
Genomic context (GRCh38, chr2:74,047,373, plus strand): 5'-TTGTTGGGCAGCGCCAGTGATTACATCCAGTCAGTATTCAAGCGGCCTGAGGCCCTGCCT[A>G]CCAAGCCCAAGGTCAAGGTGGAGGCACCCTCTTCCTCCCCGGCCCCGGCCCCATCCCCTG-3'
Protein context (NP_001274420.1, residues 476-496): SVFKRPEALP[Thr486Ala]KPKVKVEAPS

ClinVar aggregate classification (germline): Likely benign (0 of 4 stars; one submission).

Conditions:
TET3-related disorder. Also called: TET3-related condition; TET3-Related Disease.

Allele frequency attached by ClinVar (database versions not stated): gnomAD 0.00016; TOPMed 0.00029; 1000 Genomes Project 0.00080; 1000 Genomes Project 30x 0.00094.
gnomAD v4.1: 187 of 1,613,830 alleles (0.012%); highest among the groups gnomAD compares: Admixed American, 0.31%; no homozygotes.

Submission:

PreventionGenetics, part of Exact Sciences
Classification: Likely benign for TET3-related condition. Last evaluated: 2022-04-21. Review status: no assertion criteria provided. Collection method: clinical testing. Allele origin: germline.
Comment: This variant is classified as likely benign based on ACMG/AMP sequence variant interpretation guidelines (Richards et al. 2015 PMID: 25741868, with internal and published modifications).